The following is an entry in ClinVar:

ClinVar aggregate classification (germline): Benign/Likely benign. Review status: criteria provided, multiple submitters, no conflicts (2 of 4 stars). 11 submissions from 11 submitters: Benign (7); Likely benign (2). 2 of the submissions do not count toward it. Last evaluated 2026-08-01.

Conditions:
IGHMBP2-related disorder. Also called: IGHMBP2-related condition; IGHMBP2-related disorders.
Autosomal recessive distal spinal muscular atrophy 1. Also called: NEURONOPATHY, DISTAL HEREDITARY MOTOR, HARDING TYPE VI; NEUROPATHY, DISTAL HEREDITARY MOTOR, AUTOSOMAL RECESSIVE 1; HMN VI; NEURONOPATHY, SEVERE INFANTILE AXONAL, WITH RESPIRATORY FAILURE; SEVERE INFANTILE AXONAL NEUROPATHY WITH RESPIRATORY FAILURE; SPINAL MUSCULAR ATROPHY, DIAPHRAGMATIC. Identifiers: Orphanet 98920, MedGen C1858517, MONDO:0011436, OMIM 604320.
Charcot-Marie-Tooth disease axonal type 2S. Also called: CHARCOT-MARIE-TOOTH NEUROPATHY, TYPE 2S; CHARCOT-MARIE-TOOTH DISEASE, AXONAL, AUTOSOMAL RECESSIVE, TYPE 2S. Identifiers: Orphanet 443073, MedGen C4015349, MONDO:0014511, OMIM 616155.
Charcot-Marie-Tooth disease. Also called: Charcot-Marie-Tooth Hereditary Neuropathy; Charcot-Marie-Tooth Neuropathy. Identifiers: Orphanet 166, MedGen C0007959, MONDO:0015626.

Allele frequency attached by ClinVar (database versions not stated): 1000 Genomes Project 0.00120; 1000 Genomes Project 30x 0.00141; ExAC 0.00487; gnomAD exomes 0.00508; gnomAD 0.00573 and 0.00600; TOPMed 0.00574; ESP Exome Variant Server 0.00647.
gnomAD v4.1: 12,475 of 1,613,624 alleles (0.77%); highest among the groups gnomAD compares: Non-Finnish European, 0.96%; 63 homozygotes.

Submissions (11):

CeGaT Center for Human Genetics Tuebingen
Classification: Likely benign. Last evaluated: 2026-08-01. Review status: criteria provided, single submitter. Criteria: CeGaT Center For Human Genetics Tuebingen Variant Classification Criteria Version 2. Collection method: clinical testing. Allele origin: germline. Affected: yes. Observed: 29 variant alleles.
Comment: IGHMBP2: BS2

Labcorp Genetics (formerly Invitae), Labcorp
Classification: Benign for Autosomal recessive distal spinal muscular atrophy 1; Charcot-Marie-Tooth disease axonal type 2S. Last evaluated: 2026-02-02. Review status: criteria provided, single submitter. Criteria: Invitae Variant Classification Sherloc (09022015). Collection method: clinical testing. Allele origin: germline.

ARUP Laboratories, Molecular Genetics and Genomics, ARUP Laboratories
Classification: Benign. Last evaluated: 2025-04-28. Review status: criteria provided, single submitter. Criteria: ARUP Molecular Germline Variant Investigation Process 2024. Collection method: clinical testing. Allele origin: germline.

Mayo Clinic Laboratories, Mayo Clinic
Classification: Benign. Last evaluated: 2021-08-04. Review status: criteria provided, single submitter. Criteria: ACMG Guidelines, 2015. Collection method: clinical testing. Allele origin: germline. Observed: 24 variant alleles.
Comment: BS1, BS2

Illumina Laboratory Services, Illumina
Classification: Likely benign for Autosomal recessive distal spinal muscular atrophy 1. Last evaluated: 2018-01-13. Review status: criteria provided, single submitter. Criteria: ICSL Variant Classification Criteria 13 December 2019. Collection method: clinical testing. Allele origin: germline.
Comment: This variant was observed in the ICSL laboratory as part of a predisposition screen in an ostensibly healthy population. It had not been previously curated by ICSL or reported in the Human Gene Mutation Database (HGMD: prior to June 1st, 2018), and was therefore a candidate for classification through an automated scoring system. Utilizing variant allele frequency, disease prevalence and penetrance estimates, and inheritance mode, an automated score was calculated to assess if this variant is too frequent to cause the disease. Based on the score and internal cut-off values, a variant classified as likely benign is not then subjected to further curation. The score for this variant resulted in a classification of likely benign for this disease.

Genome Diagnostics Laboratory, University Medical Center Utrecht
Classification: Benign for Autosomal recessive distal spinal muscular atrophy 1. Last evaluated: 2017-07-28. Review status: criteria provided, single submitter. Criteria: ACGS Guidelines, 2013. Collection method: clinical testing. Allele origin: germline. Affected: yes. Study: VKGL Data-share Consensus.

Eurofins Ntd Llc (ga)
Classification: Benign. Last evaluated: 2016-01-07. Review status: criteria provided, single submitter. Criteria: EGL Classification Definitions 2015. Collection method: clinical testing. Allele origin: germline. Observed: 1 variant allele, 1 heterozygote.

GeneDx
Classification: Benign. Last evaluated: 2014-06-12. Review status: criteria provided, single submitter. Criteria: GeneDx Variant Classification (06012015). Collection method: clinical testing. Allele origin: germline. Affected: yes.
Comment: This variant is considered likely benign or benign based on one or more of the following criteria: it is a conservative change, it occurs at a poorly conserved position in the protein, it is predicted to be benign by multiple in silico algorithms, and/or has population frequency not consistent with disease.

Molecular Genetics Laboratory, London Health Sciences Centre
Classification: Benign for Charcot-Marie-Tooth disease. Review status: criteria provided, single submitter. Criteria: ACMG Guidelines, 2015. Collection method: clinical testing. Allele origin: germline. Affected: yes.

PreventionGenetics, part of Exact Sciences
Classification: Benign for IGHMBP2-related condition. Last evaluated: 2020-10-19. Review status: no assertion criteria provided. Collection method: clinical testing. Allele origin: germline. Not counted in ClinVar's aggregate classification.
Comment: This variant is classified as benign based on ACMG/AMP sequence variant interpretation guidelines (Richards et al. 2015 PMID: 25741868, with internal and published modifications).

Clinical Genetics, Academic Medical Center
Classification: Benign. Review status: no assertion criteria provided. Collection method: clinical testing. Allele origin: germline. Affected: yes. Study: VKGL Data-share Consensus. Not counted in ClinVar's aggregate classification.

NM_002180.3(IGHMBP2):c.256+9G>A

Gene: IGHMBP2 (immunoglobulin mu DNA binding protein 2; plus strand). Cytogenetic location: 11q13.3.
Variant type: single nucleotide variant.
Coding change: c.256+9G>A on transcript NM_002180.3 (MANE Select); 9 bases into the intron after coding-DNA position 256, G replaced by A.
Molecular consequence: intron variant.
Genome position (GRCh38, 1-based): chr11:68,906,247, G>A. VCF-style: chr11-68906247-G-A. GRCh37 (hg19) VCF-style: chr11-68673715-G-A.
Other names: p.?.
Identifiers: ClinVar variation 137568 (VCV000137568.65), dbSNP rs118015540, ClinGen allele CA201604.